The following is an entry in ClinVar:

NM_015557.3(CHD5):c.3323A>T (p.Asn1108Ile)

Gene: CHD5 (chromodomain helicase DNA binding protein 5; minus strand). Cytogenetic location: 1p36.31.
Variant type: single nucleotide variant.
Coding change: c.3323A>T on transcript NM_015557.3 (MANE Select); coding-DNA position 3323, A replaced by T.
Protein change: p.Asn1108Ile; replaces asparagine 1108 with isoleucine.
Molecular consequence: missense variant.
Genome position (GRCh38, 1-based): chr1:6,130,268, T>A on the plus strand (A>T on the coding strand, the complement: CHD5 is on the minus strand). VCF-style: chr1-6130268-T-A. GRCh37 (hg19) VCF-style: chr1-6190328-T-A.
Other names: short protein forms N1108I.
Identifiers: ClinVar variation 4527367 (VCV004527367.1).
Genomic context (GRCh38, chr1:6,130,268, plus strand): 5'-ATGTCATTGTGCGGGTTCCAGTCCGAGTCGTAGATGATGACAGTGTCCGCCGTGGCCAGG[T>A]TGATGCCCAGACCACCTGCCCGGGTTGAGAGGAGGAAGCAGAACTGCTGGGCCCCGGGGG-3'
Protein context (NP_056372.1, residues 1098-1118): LSTRAGGLGI[Asn1108Ile]LATADTVIIY

ClinVar aggregate classification (germline): Uncertain significance (1 of 4 stars; one submission).

Submission:

GeneDx
Classification: Uncertain significance. Last evaluated: 2025-04-21. Review status: criteria provided, single submitter. Criteria: GeneDx Variant Classification Process June 2021. Collection method: clinical testing. Allele origin: germline. Affected: yes.
Comment: Not observed at significant frequency in large population cohorts (gnomAD); In silico analysis supports that this missense variant has a deleterious effect on protein structure/function; Has not been previously published as pathogenic or benign to our knowledge